The following is an entry in ClinVar:

ClinVar aggregate classification (germline): Uncertain significance (1 of 4 stars; one submission).

Conditions:
Immune dysregulation, autoimmunity, and autoinflammation (IDAA). Also called: ACTIVATING PLCG1 VARIANT-ASSOCIATED SYNDROME. Identifiers: MedGen C5848750, MONDO:0957790, OMIM 620514.

Allele frequency attached by ClinVar (database versions not stated): gnomAD exomes below 0.00001; TOPMed below 0.00001; gnomAD 0.00001.
gnomAD v4.1: 5 of 1,589,092 alleles (0.00031%); highest among the groups gnomAD compares: South Asian, 0.0012%; no homozygotes.

Submission:

Broad Center for Mendelian Genomics, Broad Institute of MIT and Harvard
Classification: Uncertain significance for Immune dysregulation, autoimmunity, and autoinflammation. Last evaluated: 2024-06-19. Review status: criteria provided, single submitter. Criteria: ACMG Guidelines, 2015. Collection method: curation. Allele origin: germline. Inheritance: Autosomal recessive inheritance. Study: GREGoR Consortium.
Comment: While this gene is still lacking sufficient evidence to establish a gene-disease relationship, we believe this is a possible novel gene candidate for immune dysregulation, autoimmunity, and autoinflammation. Given the limited information about this gene-disease relationship, the significance of the p.Arg69His variant is uncertain. If you have any additional information about functional evidence or other individuals with this phenotype that also have variants in STXBP3 we encourage you to reach out to us.

NM_007269.4(STXBP3):c.206G>A (p.Arg69His)

Gene: STXBP3 (syntaxin binding protein 3; plus strand). Cytogenetic location: 1p13.3.
Variant type: single nucleotide variant.
Coding change: c.206G>A on transcript NM_007269.4 (MANE Select); coding-DNA position 206, G replaced by A.
Protein change: p.Arg69His; replaces arginine 69 with histidine.
Molecular consequence: missense variant.
Genome position (GRCh38, 1-based): chr1:108,756,714, G>A. VCF-style: chr1-108756714-G-A. GRCh37 (hg19) VCF-style: chr1-109299336-G-A.
Other names: NM_007269.4:c.206G>A; short protein forms R69H.
Identifiers: ClinVar variation 3252047 (VCV003252047.1), dbSNP rs1261197120.